The following is an entry in ClinVar:

ClinVar aggregate classification (germline): Uncertain significance. Review status: criteria provided, multiple submitters, no conflicts (2 of 4 stars). 2 submissions from 2 submitters: Uncertain significance (2). Last evaluated 2024-07-31.

Conditions:
Pyogenic arthritis-pyoderma gangrenosum-acne syndrome (PAPA). Also called: FAMILIAL RECURRENT ARTHRITIS; PAPA SYNDROME. Identifiers: Orphanet 69126, MedGen C1858361, MONDO:0011462, OMIM 604416.

Allele frequency attached by ClinVar (database versions not stated): gnomAD 0.00001; TOPMed 0.00001.
gnomAD v4.1: 23 of 1,613,010 alleles (0.0014%); highest among the groups gnomAD compares: Non-Finnish European, 0.0017%; no homozygotes.

Submissions (2):

Labcorp Genetics (formerly Invitae), Labcorp
Classification: Uncertain significance for Pyogenic arthritis-pyoderma gangrenosum-acne syndrome. Last evaluated: 2024-07-31. Review status: criteria provided, single submitter. Criteria: Invitae Variant Classification Sherloc (09022015). Collection method: clinical testing. Allele origin: germline.
Comment: This sequence change replaces histidine, which is basic and polar, with glutamine, which is neutral and polar, at codon 234 of the PSTPIP1 protein (p.His234Gln). This variant is not present in population databases (gnomAD no frequency). This variant has not been reported in the literature in individuals affected with PSTPIP1-related conditions. ClinVar contains an entry for this variant (Variation ID: 1043902). Advanced modeling of protein sequence and biophysical properties (such as structural, functional, and spatial information, amino acid conservation, physicochemical variation, residue mobility, and thermodynamic stability) performed at Invitae indicates that this missense variant is not expected to disrupt PSTPIP1 protein function with a negative predictive value of 80%. In summary, the available evidence is currently insufficient to determine the role of this variant in disease. Therefore, it has been classified as a Variant of Uncertain Significance.

Blueprint Genetics
Classification: Uncertain significance. Last evaluated: 2020-12-11. Review status: criteria provided, single submitter. Criteria: ACMG Guidelines, 2015. Collection method: clinical testing. Allele origin: germline.

NM_003978.5(PSTPIP1):c.702C>G (p.His234Gln)

Gene: PSTPIP1 (proline-serine-threonine phosphatase interacting protein 1; plus strand). Cytogenetic location: 15q24.3.
Variant type: single nucleotide variant.
Coding change: c.702C>G on transcript NM_003978.5 (MANE Select); coding-DNA position 702, C replaced by G.
Protein change: p.His234Gln; replaces histidine 234 with glutamine.
Molecular consequence: missense variant. On other transcripts: non-coding transcript variant (1).
Genome position (GRCh38, 1-based): chr15:77,031,239, C>G. VCF-style: chr15-77031239-C-G. GRCh37 (hg19) VCF-style: chr15-77323580-C-G.
Other names: c.702C>G, p.His234Gln (NM_001321135.2); c.675C>G, p.His225Gln (NM_001321136.2); c.897C>G, p.His299Gln (NM_001321137.1); short protein forms H234Q, H225Q, H299Q.
Identifiers: ClinVar variation 1043902 (VCV001043902.9), dbSNP rs1420190742, ClinGen allele CA393520930.
Genomic context (GRCh38, chr15:77,031,239, plus strand): 5'-GGCCTTTCAGCTGCAAGAGTTTGACCGGCTGACCATTCTCCGCAACGCCCTGTGGGTGCA[C>G]AGCAACCAGCTCTCCATGCAGTGTGTCAAGGATGATGAGGTGGGGGCTGAGGGCCTTGGT-3'
Protein context (NP_003969.2, residues 224-244): LTILRNALWV[His234Gln]SNQLSMQCVK